The following is an entry in ClinVar:

ClinVar aggregate classification (germline): Pathogenic (1 of 4 stars; one submission).

Conditions:
MHC class II deficiency. Also called: Bare lymphocyte syndrome 2; BLS, TYPE II. Identifiers: Orphanet 572, MedGen C5447452, MONDO:0008855.

Submission:

Labcorp Genetics (formerly Invitae), Labcorp
Classification: Pathogenic for MHC class II deficiency. Last evaluated: 2022-05-20. Review status: criteria provided, single submitter. Criteria: Invitae Variant Classification Sherloc (09022015). Collection method: clinical testing. Allele origin: germline.
Comment: For these reasons, this variant has been classified as Pathogenic. This premature translational stop signal has been observed in individual(s) with MHC class II deficiency (PMID: 30170160). This variant is not present in population databases (gnomAD no frequency). This sequence change creates a premature translational stop signal (p.Asn201Thrfs*3) in the RFXANK gene. It is expected to result in an absent or disrupted protein product. Loss-of-function variants in RFXANK are known to be pathogenic (PMID: 10803838, 16166641, 21908431).

Literature cited by the submitters: PubMed 30170160; PubMed 10803838; PubMed 16166641; PubMed 21908431.

NM_003721.4(RFXANK):c.600del (p.Asn201fs)

Gene: RFXANK (regulatory factor X associated ankyrin containing protein; plus strand). Cytogenetic location: 19p13.11.
Variant type: Deletion.
Coding change: c.600del on transcript NM_003721.4 (MANE Select); coding-DNA position 600, one base deleted (G; older notation c.600delG).
Protein change: p.Asn201fs; shifts the reading frame from asparagine 201.
Molecular consequence: frameshift variant.
Genome position (GRCh38, 1-based): chr19:19,198,692, G deleted; the last of 3 consecutive G bases (chr19:19,198,690-19,198,692); deleting any one gives the same sequence. VCF-style (leftmost placement, unchanged base first): chr19-19198689-CG-C. GRCh37 (hg19) VCF-style: chr19-19309498-CG-C.
Other names: c.534del, p.Asn179fs (NM_001278727.2, NM_001370234.1); c.531del, p.Asn178fs (NM_001278728.2, NM_134440.3); c.600del, p.Asn201fs (NM_001370233.1, NM_001370238.1); c.597del, p.Asn200fs (NM_001370235.1, NM_001370236.1, NM_001370237.1); short protein forms N200fs, N178fs, N179fs, N201fs.
Identifiers: ClinVar variation 2152313 (VCV002152313.4), dbSNP rs2146496053, ClinGen allele CA2580096769.
Genomic context (GRCh38, chr19:19,198,689, plus strand): 5'-TGGTTTCTCCTGCCCCTACCCACGACAGAATGGAGGGACGCCACTGCTGTACGCTGTGCG[CG>C]GGAACCACGTGAAATGCGTTGAGGCCTTGCTGGGTGAGTGGGAGTCGGGAGTGGCCCTGG-3'